The following is an entry in ClinVar:

ClinVar aggregate classification (germline): Uncertain significance (1 of 4 stars; one submission).

Conditions:
Cryopyrin associated periodic syndrome (CAPS). Identifiers: Orphanet 208650, MedGen C2316212, MONDO:0016168.

gnomAD v4.1: 1 of 1,614,134 alleles (0.000062%); highest among the groups gnomAD compares: Non-Finnish European, 0.000085%; no homozygotes.

Submission:

Labcorp Genetics (formerly Invitae), Labcorp
Classification: Uncertain significance for Cryopyrin associated periodic syndrome. Last evaluated: 2025-10-16. Review status: criteria provided, single submitter. Criteria: Invitae Variant Classification Sherloc (09022015). Collection method: clinical testing. Allele origin: germline.
Comment: This sequence change replaces leucine, which is neutral and non-polar, with arginine, which is basic and polar, at codon 919 of the NLRP3 protein (p.Leu919Arg). This variant is not present in population databases (gnomAD no frequency). This variant has not been reported in the literature in individuals affected with NLRP3-related conditions. Invitae Evidence Modeling of protein sequence and biophysical properties (such as structural, functional, and spatial information, amino acid conservation, physicochemical variation, residue mobility, and thermodynamic stability) has been performed for this missense variant. However, the output from this modeling did not meet the statistical confidence thresholds required to predict the impact of this variant on NLRP3 protein function. In summary, the available evidence is currently insufficient to determine the role of this variant in disease. Therefore, it has been classified as a Variant of Uncertain Significance.

NM_001243133.2(NLRP3):c.2750T>G (p.Leu917Arg)

Gene: NLRP3 (NLR family pyrin domain containing 3; plus strand). Cytogenetic location: 1q44.
Variant type: single nucleotide variant.
Coding change: c.2750T>G on transcript NM_001243133.2 (MANE Select); coding-DNA position 2750, T replaced by G.
Protein change: p.Leu917Arg; replaces leucine 917 with arginine.
Molecular consequence: missense variant.
Genome position (GRCh38, 1-based): chr1:247,444,058, T>G. VCF-style: chr1-247444058-T-G. GRCh37 (hg19) VCF-style: chr1-247607360-T-G.
Other names: c.2750T>G, p.Leu917Arg (NM_001079821.3); c.2579T>G, p.Leu860Arg (NM_001127461.3, NM_001127462.3); c.2756T>G, p.Leu919Arg (NM_004895.5); c.2408T>G, p.Leu803Arg (NM_183395.3); short protein forms L803R, L860R, L917R, L919R.
Identifiers: ClinVar variation 4800152 (VCV004800152.1).
Genomic context (GRCh38, chr1:247,444,058, plus strand): 5'-TCTGTTGTTCAGCTTTGTCCTCGGTACTCAGCACTAATCAGAATCTCACGCACCTTTACC[T>G]GCGAGGCAACACTCTCGGAGACAAGGGGATCAAACTACTCTGTGAGGGACTCTTGCACCC-3'
Protein context (NP_001230062.1, residues 907-927): STNQNLTHLY[Leu917Arg]RGNTLGDKGI